The following is an entry in ClinVar:

ClinVar aggregate classification (germline): Benign. Review status: criteria provided, multiple submitters, no conflicts (2 of 4 stars). 8 submissions from 8 submitters: Benign (6). 2 of the submissions do not count toward it. Last evaluated 2026-02-04.

Conditions:
Spondylodysplastic Ehlers-Danlos syndrome. Identifiers: Orphanet 536471, Orphanet 75496, MedGen C5680154, MONDO:0007526.

Allele frequency attached by ClinVar (database versions not stated): gnomAD 0.65163 and 0.65175; TOPMed 0.65713; 1000 Genomes Project 30x 0.65865; ExAC 0.66084; 1000 Genomes Project 0.66134; gnomAD exomes 0.66249 and 0.63863; ESP Exome Variant Server 0.63265.

Submissions (8):

Labcorp Genetics (formerly Invitae), Labcorp
Classification: Benign for Spondylodysplastic Ehlers-Danlos syndrome. Last evaluated: 2026-02-04. Review status: criteria provided, single submitter. Criteria: Invitae Variant Classification Sherloc (09022015). Collection method: clinical testing. Allele origin: germline.

Women's Health and Genetics/Laboratory Corporation of America, LabCorp
Classification: Benign. Last evaluated: 2026-01-21. Review status: criteria provided, single submitter. Criteria: LabCorp Variant Classification Summary - May 2015. Collection method: clinical testing. Allele origin: germline.

Blueprint Genetics
Classification: Benign. Last evaluated: 2024-11-26. Review status: criteria provided, single submitter. Criteria: ACMG Guidelines, 2015. Collection method: clinical testing. Allele origin: germline.

Mayo Clinic Laboratories, Mayo Clinic
Classification: Benign. Last evaluated: 2022-04-26. Review status: criteria provided, single submitter. Criteria: ACMG Guidelines, 2015. Collection method: clinical testing. Allele origin: germline. Observed: 2,764 variant alleles.

Genome-Nilou Lab
Classification: Benign for Ehlers-Danlos syndrome, spondylodysplastic type, 1. Last evaluated: 2021-07-14. Review status: criteria provided, single submitter. Criteria: ACMG Guidelines, 2015. Collection method: clinical testing. Allele origin: germline. Affected: no.

GeneDx
Classification: Benign. Last evaluated: 2016-09-29. Review status: criteria provided, single submitter. Criteria: GeneDx Variant Classification (06012015). Collection method: clinical testing. Allele origin: germline. Affected: yes.
Comment: This variant is considered likely benign or benign based on one or more of the following criteria: it is a conservative change, it occurs at a poorly conserved position in the protein, it is predicted to be benign by multiple in silico algorithms, and/or has population frequency not consistent with disease.

Genome Diagnostics Laboratory, Amsterdam University Medical Center
Classification: Benign for Ehlers-Danlos syndrome, spondylodysplastic type, 1. Last evaluated: 2015-02-25. Review status: no assertion criteria provided. Criteria: ACGS Guidelines, 2013. Collection method: clinical testing. Allele origin: germline. Affected: yes. Study: VKGL Data-share Consensus. Not counted in ClinVar's aggregate classification.

Diagnostic Laboratory, Department of Genetics, University Medical Center Groningen
Classification: Benign for Ehlers-Danlos syndrome, spondylodysplastic type, 1. Review status: no assertion criteria provided. Collection method: clinical testing. Allele origin: germline. Affected: yes. Study: VKGL Data-share Consensus. Not counted in ClinVar's aggregate classification.

NM_007255.3(B4GALT7):c.219T>C (p.Arg73=)

Gene: B4GALT7 (beta-1,4-galactosyltransferase 7; plus strand). Cytogenetic location: 5q35.3.
Variant type: single nucleotide variant.
Coding change: c.219T>C on transcript NM_007255.3 (MANE Select); coding-DNA position 219, T replaced by C.
Protein change: p.Arg73=; no amino-acid change (arginine 73 retained).
Molecular consequence: synonymous variant.
Genome position (GRCh38, 1-based): chr5:177,604,347, T>C. VCF-style: chr5-177604347-T-C. GRCh37 (hg19) VCF-style: chr5-177031348-T-C.
Other names: p.Arg73=.
Identifiers: ClinVar variation 383778 (VCV000383778.18), dbSNP rs11537644, ClinGen allele CA3586409.